The following is an entry in ClinVar:

NM_000543.5(SMPD1):c.1032T>G (p.Tyr344Ter)

Gene: SMPD1 (sphingomyelin phosphodiesterase 1; plus strand). Cytogenetic location: 11p15.4.
Variant type: single nucleotide variant.
Coding change: c.1032T>G on transcript NM_000543.5 (MANE Select); coding-DNA position 1032, T replaced by G.
Protein change: p.Tyr344Ter; replaces tyrosine 344 with a stop codon.
Molecular consequence: nonsense. On other transcripts: missense variant (1), non-coding transcript variant (1).
Genome position (GRCh38, 1-based): chr11:6,392,097, T>G. VCF-style: chr11-6392097-T-G. GRCh37 (hg19) VCF-style: chr11-6413327-T-G.
Other names: c.1029T>G, p.Tyr343Ter (NM_001007593.3); c.1032T>G, p.Tyr344Ter (NM_001318087.2, NM_001365135.2); c.71T>G, p.Met24Arg (NM_001318088.2); short protein forms Y344*, M24R, Y343*.
Identifiers: ClinVar variation 1370114 (VCV001370114.6), dbSNP rs2134013121, ClinGen allele CA379371748.

ClinVar aggregate classification (germline): Pathogenic (1 of 4 stars; one submission).

Conditions:
Niemann-Pick disease, type B. Also called: Chronic Visceral ASMD (Niemann-Pick Disease Type B; NPD-B). Identifiers: Orphanet 77293, MedGen C0268243, MONDO:0011871, OMIM 607616. Disease mechanism: loss of function.
Niemann-Pick disease, type A. Also called: Infantile Neurovisceral ASMD (Niemann-Pick Disease Type A; NPD-A); SPHINGOMYELIN LIPIDOSIS; SPHINGOMYELINASE DEFICIENCY. Identifiers: Orphanet 77292, MedGen C0268242, MONDO:0009756, OMIM 257200. Disease mechanism: loss of function.

Allele frequency attached by ClinVar (database versions not stated): gnomAD exomes below 0.00001.

Submission:

Labcorp Genetics (formerly Invitae), Labcorp
Classification: Pathogenic for Niemann-Pick disease, type B; Niemann-Pick disease, type A. Last evaluated: 2025-05-18. Review status: criteria provided, single submitter. Criteria: Invitae Variant Classification Sherloc (09022015). Collection method: clinical testing. Allele origin: germline.
Comment: This sequence change creates a premature translational stop signal (p.Tyr344*) in the SMPD1 gene. It is expected to result in an absent or disrupted protein product. Loss-of-function variants in SMPD1 are known to be pathogenic (PMID: 12369017, 15221801). This variant is not present in population databases (gnomAD no frequency). This variant has not been reported in the literature in individuals affected with SMPD1-related conditions. ClinVar contains an entry for this variant (Variation ID: 1370114). Algorithms developed to predict the effect of sequence changes on RNA splicing suggest that this variant may disrupt the consensus splice site. For these reasons, this variant has been classified as Pathogenic.

Literature cited by the submitters: PubMed 12369017; PubMed 15221801.